The following is an entry in ClinVar:

ClinVar aggregate classification (germline): Uncertain significance. Review status: criteria provided, multiple submitters, no conflicts (2 of 4 stars). 3 submissions from 3 submitters: Uncertain significance (3). Last evaluated 2025-09-02.

Conditions:
Familial cancer of breast. Also called: Hereditary breast cancer; BREAST CANCER, FAMILIAL; hereditary breast carcinoma. Identifiers: Orphanet 227535, MedGen C0346153, MONDO:0016419, OMIM 114480. Disease mechanism: loss of function.

Submissions (3):

Labcorp Genetics (formerly Invitae), Labcorp
Classification: Uncertain significance for Familial cancer of breast. Last evaluated: 2025-09-02. Review status: criteria provided, single submitter. Criteria: Invitae Variant Classification Sherloc (09022015). Collection method: clinical testing. Allele origin: germline.
Comment: This sequence change replaces valine, which is neutral and non-polar, with leucine, which is neutral and non-polar, at codon 608 of the BARD1 protein (p.Val608Leu). This variant is not present in population databases (gnomAD no frequency). This variant has not been reported in the literature in individuals affected with BARD1-related conditions. ClinVar contains an entry for this variant (Variation ID: 2663066). An algorithm developed to predict the effect of missense changes on protein structure and function (PolyPhen-2) suggests that this variant is likely to be tolerated. In summary, the available evidence is currently insufficient to determine the role of this variant in disease. Therefore, it has been classified as a Variant of Uncertain Significance.

Baylor Genetics
Classification: Uncertain significance for Familial cancer of breast. Last evaluated: 2023-06-07. Review status: criteria provided, single submitter. Criteria: ACMG Guidelines, 2015. Collection method: clinical testing. Allele origin: unknown.

GeneDx
Classification: Uncertain significance. Last evaluated: 2023-05-08. Review status: criteria provided, single submitter. Criteria: GeneDx Variant Classification Process June 2021. Collection method: clinical testing. Allele origin: germline. Affected: yes.
Comment: Not observed at significant frequency in large population cohorts (gnomAD); In silico analysis supports that this missense variant does not alter protein structure/function; Has not been previously published as pathogenic or benign to our knowledge; In silico analysis suggests this variant may impact gene splicing. In the absence of RNA/functional studies, the actual effect of this sequence change is unknown; This variant is associated with the following publications: (PMID: 17550235)

NM_000465.4(BARD1):c.1822G>C (p.Val608Leu)

Gene: BARD1 (BRCA1 associated RING domain 1; minus strand). Cytogenetic location: 2q35.
Variant type: single nucleotide variant.
Coding change: c.1822G>C on transcript NM_000465.4 (MANE Select); coding-DNA position 1822, G replaced by C.
Protein change: p.Val608Leu; replaces valine 608 with leucine.
Molecular consequence: missense variant. On other transcripts: non-coding transcript variant (3), intron variant (1).
Genome position (GRCh38, 1-based): chr2:214,745,148, C>G on the plus strand (G>C on the coding strand, the complement: BARD1 is on the minus strand). VCF-style: chr2-214745148-C-G. GRCh37 (hg19) VCF-style: chr2-215609872-C-G.
Other names: c.1765G>C, p.Val589Leu (NM_001282543.2); c.469G>C, p.Val157Leu (NM_001282545.2); c.412G>C, p.Val138Leu (NM_001282548.2); c.365-14640G>C (NM_001282549.2); short protein forms V138L, V157L, V589L, V608L.
Identifiers: ClinVar variation 2663066 (VCV002663066.3), dbSNP rs778987552, ClinGen allele CA350452327.